The following is an entry in ClinVar:

ClinVar aggregate classification (germline): Uncertain significance (1 of 4 stars; one submission).

Submission:

GeneDx
Classification: Uncertain significance. Last evaluated: 2024-05-01. Review status: criteria provided, single submitter. Criteria: GeneDx Variant Classification Process June 2021. Collection method: clinical testing. Allele origin: germline. Affected: yes.
Comment: Not observed at significant frequency in large population cohorts (gnomAD); In silico analysis supports that this missense variant has a deleterious effect on protein structure/function; Has not been previously published as pathogenic or benign to our knowledge

NM_001127222.2(CACNA1A):c.5130G>A (p.Met1710Ile)

Gene: CACNA1A (calcium voltage-gated channel subunit alpha1 A; minus strand). Cytogenetic location: 19p13.13.
Variant type: single nucleotide variant.
Coding change: c.5130G>A on transcript NM_001127222.2 (MANE Select); coding-DNA position 5130, G replaced by A.
Protein change: p.Met1710Ile; replaces methionine 1710 with isoleucine.
Molecular consequence: missense variant.
Genome position (GRCh38, 1-based): chr19:13,235,212, C>T on the plus strand (G>A on the coding strand, the complement: CACNA1A is on the minus strand). VCF-style: chr19-13235212-C-T. GRCh37 (hg19) VCF-style: chr19-13346026-C-T.
Other names: c.5148G>A, p.Met1716Ile (NM_000068.4, NM_023035.3); c.5133G>A, p.Met1711Ile (NM_001127221.2); c.5139G>A, p.Met1713Ile (NM_001174080.2); short protein forms M1710I, M1711I, M1713I, M1716I.
Identifiers: ClinVar variation 3375944 (VCV003375944.1).